The following is an entry in ClinVar:

ClinVar aggregate classification (germline): Pathogenic (1 of 4 stars; one submission).

Conditions:
O'Donnell-Luria-Rodan syndrome (ODLURO). Also called: KMT2E-Related Neurodevelopmental Disorder. Identifiers: MedGen C5193138, MONDO:0032793, OMIM 618512.

Submission:

MVZ Medizinische Genetik Mainz
Classification: Pathogenic for O'Donnell-Luria-Rodan syndrome. Last evaluated: 2023-04-12. Review status: criteria provided, single submitter. Criteria: UK Practice Guidelines For Variant Classification V4 01 2020. Collection method: clinical testing. Allele origin: germline. Inheritance: Autosomal dominant inheritance. Affected: yes. Observed: 1 variant allele.
Comment: PVS1,PM6,PM2_SUP

NM_182931.3(KMT2E):c.702_705del (p.Lys234fs)

Gene: KMT2E (lysine methyltransferase 2E (inactive); plus strand). Cytogenetic location: 7q22.3.
Variant type: Microsatellite.
Coding change: c.702_705del on transcript NM_182931.3 (MANE Select); coding-DNA positions 702 to 705, 4 bases deleted (AGAA; older notation c.702_705delAGAA).
Protein change: p.Lys234fs; shifts the reading frame from lysine 234.
Molecular consequence: frameshift variant.
Genome position (GRCh38, 1-based): chr7:105,074,788-105,074,791, AGAA deleted; deleting any 4 consecutive bases within chr7:105,074,784-105,074,791 gives the same sequence; the c. name uses the placement nearest the transcript's 3' end. VCF-style (leftmost placement, unchanged base first): chr7-105074783-GAGAA-G. GRCh37 (hg19) VCF-style: chr7-104715230-GAGAA-G.
Other names: c.702_705del, p.Lys234fs (NM_001410908.1, NM_018682.4); short protein forms K234fs.
Identifiers: ClinVar variation 3061870 (VCV003061870.1), dbSNP rs2536420410, ClinGen allele CA2740097488.